The following is an entry in ClinVar:

NM_000142.5(FGFR3):c.2153A>G (p.Asn718Ser)

Gene: FGFR3 (fibroblast growth factor receptor 3; plus strand). Cytogenetic location: 4p16.3.
Variant type: single nucleotide variant.
Coding change: c.2153A>G on transcript NM_000142.5 (MANE Select); coding-DNA position 2153, A replaced by G.
Protein change: p.Asn718Ser; replaces asparagine 718 with serine.
Molecular consequence: missense variant. On other transcripts: synonymous variant (1), non-coding transcript variant (1).
Genome position (GRCh38, 1-based): chr4:1,806,668, A>G. VCF-style: chr4-1806668-A-G. GRCh37 (hg19) VCF-style: chr4-1808395-A-G.
Other names: c.2159A>G, p.Asn720Ser (NM_001163213.2); c.2156A>G, p.Asn719Ser (NM_001354809.2); c.2085A>G, p.Gln695= (NM_001354810.2); c.1817A>G, p.Asn606Ser (NM_022965.4); short protein forms N718S, N720S, N719S, N606S.
Identifiers: ClinVar variation 521225 (VCV000521225.18), dbSNP rs139773438, ClinGen allele CA2810730.

ClinVar aggregate classification (germline): Conflicting classifications of pathogenicity. Review status: criteria provided, conflicting classifications (1 of 4 stars). 8 submissions from 8 submitters: Uncertain significance (4); Likely benign (1). 3 of the submissions do not count toward it. Last evaluated 2026-06-23.

Conditions:
FGFR3-related chondrodysplasia. Identifiers: Orphanet 93420, MedGen C5681604, MONDO:0019685.
Inborn genetic diseases. Identifiers: MedGen C0950123, MeSH D030342.
Achondroplasia (ACH). Also called: Achondroplastic dwarfism. Identifiers: Orphanet 15, MedGen C0001080, MONDO:0007037, OMIM 100800. Disease mechanism: gain of function.
Malignant tumor of testis. Also called: Testicular cancer. Identifiers: MedGen C0153594, MONDO:0005447.
Hypochondroplasia (HCH). Identifiers: Orphanet 429, MedGen C0410529, MONDO:0007793, OMIM 146000. Disease mechanism: gain of function.
Carcinoma of colon (CRC). Also called: Colonic carcinoma; Colon carcinoma. Identifiers: MedGen C0699790, MONDO:0002032.
Camptodactyly-tall stature-scoliosis-hearing loss syndrome. Also called: CATSHL SYNDROME. Identifiers: Orphanet 85164, MedGen C1864852, MONDO:0012504, OMIM 610474.
Cervical cancer. Also called: Cervix cancer; Cancer of cervix; Cervical cancer, somatic. Identifiers: MedGen C4048328, MONDO:0002974, OMIM 603956, HP:0030079.
Crouzon syndrome-acanthosis nigricans syndrome. Also called: CROUZONODERMOSKELETAL SYNDROME. Identifiers: Orphanet 93262, MedGen C2677099, MONDO:0012833, OMIM 612247.
Thanatophoric dysplasia type 1 (TD1). Also called: LETHAL SHORT-LIMBED PLATYSPONDYLIC DWARFISM, SAN DIEGO TYPE; Thanatophoric Dysplasia Type 1 (TD Type 1); PLATYSPONDYLIC LETHAL SKELETAL DYSPLASIA, SAN DIEGO TYPE. Identifiers: Orphanet 1860, Orphanet 2655, MedGen C1868678, MONDO:0008546, OMIM 187600. Disease mechanism: gain of function.
Thanatophoric dysplasia, type 2 (TD2). Also called: THANATOPHORIC DYSPLASIA WITH KLEEBLATTSCHAEDEL; THANATOPHORIC DYSPLASIA WITH STRAIGHT FEMURS AND CLOVERLEAF SKULL; Thanatophoric Dysplasia Type 2 (TD Type 2); CLOVERLEAF SKULL WITH THANATOPHORIC DWARFISM. Identifiers: Orphanet 2655, Orphanet 93274, MedGen C1300257, MONDO:0008547, OMIM 187601. Disease mechanism: gain of function.
Epidermal nevus. Also called: NEVUS, KERATINOCYTIC, NONEPIDERMOLYTIC; Nevus, epidermal, somatic. Identifiers: Orphanet 79414, MedGen C0334082, MONDO:0008093, OMIM 162900, HP:0010816.
Severe achondroplasia-developmental delay-acanthosis nigricans syndrome. Also called: Severe achondroplasia with developmental delay and acanthosis nigricans; SADDAN dysplasia. Identifiers: Orphanet 85165, MedGen C2674173, MONDO:0014658, OMIM 616482.
Levy-Hollister syndrome (LADD). Also called: LADD syndrome. Identifiers: Orphanet 2363, MedGen C0265269, MONDO:0007872.
Muenke syndrome (MNKES). Also called: MUENKE NONSYNDROMIC CORONAL CRANIOSYNOSTOSIS. Identifiers: Orphanet 53271, MedGen C1864436, MONDO:0011274, OMIM 602849.
Malignant tumor of urinary bladder. Also called: Bladder cancer; Urinary Bladder Neoplasms; Urinary bladder cancer. Identifiers: MedGen C0005684, MONDO:0001187, OMIM 109800.
FGFR3-related disorder. Also called: FGFR3-related disorders.

Allele frequency attached by ClinVar (database versions not stated): ExAC 0.00008; ESP Exome Variant Server 0.00008; gnomAD 0.00011 and 0.00012; TOPMed 0.00011; gnomAD exomes 0.00014; 1000 Genomes Project 30x 0.00016; 1000 Genomes Project 0.00020.
gnomAD v4.1: 215 of 1,612,480 alleles (0.013%); highest among the groups gnomAD compares: East Asian, 0.15%; no homozygotes.

Submissions (8):

Genomenon, Inc
Classification: Uncertain significance for FGFR3-related chondrodysplasia. Last evaluated: 2026-06-23. Review status: criteria provided, single submitter. Criteria: Genomenon Sequence Variant Interpretation Standards - Updated. Collection method: curation. Allele origin: germline. Affected: no.
Comment: FGFR3 p.Asn718Ser (c.2153A>G) is a missense variant that changes the amino acid at codon 718 from Asparagine to Serine. This variant has been reported in the published literature (PMID:37980528). It is absent or not present at a significant frequency in gnomAD. In silico models predict that this variant is not damaging. In conclusion, we classify FGFR3 p.Asn718Ser (c.2153A>G) as a variant of uncertain significance.

GeneDx
Classification: Uncertain significance. Last evaluated: 2025-08-14. Review status: criteria provided, single submitter. Criteria: GeneDx Variant Classification Process June 2021. Collection method: clinical testing. Allele origin: germline. Affected: yes.
Comment: In silico analysis supports that this missense variant has a deleterious effect on protein structure/function; Has not been previously reported as pathogenic or benign in association with hearing loss to our knowledge; This variant is associated with the following publications: (PMID: 27438523)

Labcorp Genetics (formerly Invitae), Labcorp
Classification: Likely benign. Last evaluated: 2025-07-22. Review status: criteria provided, single submitter. Criteria: Invitae Variant Classification Sherloc (09022015). Collection method: clinical testing. Allele origin: germline.

Fulgent Genetics
Classification: Uncertain significance for Achondroplasia; Malignant tumor of urinary bladder; Colorectal cancer; Hypochondroplasia; LADD syndrome 1; Epidermal nevus; Thanatophoric dysplasia type 1; Thanatophoric dysplasia, type 2; Germ cell tumor of testis; Muenke syndrome; Cervical cancer; Camptodactyly-tall stature-scoliosis-hearing loss syndrome; Crouzon syndrome-acanthosis nigricans syndrome; Severe achondroplasia-developmental delay-acanthosis nigricans syndrome. Last evaluated: 2018-10-31. Review status: criteria provided, single submitter. Criteria: ACMG Guidelines, 2015. Collection method: clinical testing. Allele origin: unknown.

Ambry Genetics
Classification: Uncertain significance for Inborn genetic diseases. Last evaluated: 2016-08-22. Review status: criteria provided, single submitter. Criteria: Ambry exome assertion method (8-5-2015). Collection method: clinical testing. Allele origin: germline. Affected: yes. Observed: 1 variant allele.

PreventionGenetics, part of Exact Sciences
Classification: Likely benign for FGFR3-related condition. Last evaluated: 2024-08-19. Review status: no assertion criteria provided. Collection method: clinical testing. Allele origin: germline. Not counted in ClinVar's aggregate classification.
Comment: This variant is classified as likely benign based on ACMG/AMP sequence variant interpretation guidelines (Richards et al. 2015 PMID: 25741868, with internal and published modifications).

Clinical Genetics DNA and cytogenetics Diagnostics Lab, Erasmus MC, Erasmus Medical Center
Classification: Likely benign. Review status: no assertion criteria provided. Collection method: clinical testing. Allele origin: germline. Affected: yes. Study: VKGL Data-share Consensus. Not counted in ClinVar's aggregate classification.

Laboratory of Diagnostic Genome Analysis, Leiden University Medical Center (LUMC)
Classification: Likely benign. Review status: no assertion criteria provided. Collection method: clinical testing. Allele origin: germline. Affected: yes. Study: VKGL Data-share Consensus. Not counted in ClinVar's aggregate classification.

Literature cited by the submitters: PubMed 37980528 (cited by Genomenon, Inc); PubMed 39161208 (cited by Genomenon, Inc).